The following is an entry in ClinVar:

NM_000146.4(FTL):c.375T>C (p.His125=)

Gene: FTL (ferritin light chain; plus strand). Cytogenetic location: 19q13.33.
Variant type: single nucleotide variant.
Coding change: c.375T>C on transcript NM_000146.4 (MANE Select); coding-DNA position 375, T replaced by C.
Protein change: p.His125=; no amino-acid change (histidine 125 retained).
Molecular consequence: synonymous variant.
Genome position (GRCh38, 1-based): chr19:48,966,406, T>C. VCF-style: chr19-48966406-T-C. GRCh37 (hg19) VCF-style: chr19-49469663-T-C.
Identifiers: ClinVar variation 2156715 (VCV002156715.4), dbSNP rs774193242, ClinGen allele CA9562545.
Genomic context (GRCh38, chr19:48,966,406, plus strand): 5'-AAAGCTGAACCAGGCCCTTTTGGATCTTCATGCCCTGGGTTCTGCCCGCACGGACCCCCA[T>C]GTACGTACCCGCTGCATCCATGGCTACCCAACCATACCCCTCAAGCCTCTGCTCCCTTTG-3'
Protein context (NP_000137.2, residues 115-135): HALGSARTDP[His125=]LCDFLETHFL

ClinVar aggregate classification (germline): Uncertain significance (1 of 4 stars; one submission).

Conditions:
Hereditary hyperferritinemia with congenital cataracts. Also called: Hereditary hyperferritinemia cataract syndrome; Bonneau-Beaumont syndrome; HYPERFERRITINEMIA WITH OR WITHOUT CATARACT. Identifiers: Orphanet 163, MedGen C1833213, MONDO:0010952, OMIM 600886.
Neuroferritinopathy (NBIA3). Also called: NEURODEGENERATION WITH BRAIN IRON ACCUMULATION 3; BASAL GANGLIA DISEASE, ADULT-ONSET. Identifiers: Orphanet 157846, MedGen C1853578, MONDO:0011638, OMIM 606159.

Allele frequency attached by ClinVar (database versions not stated): gnomAD 0.00001; gnomAD exomes 0.00001; ExAC 0.00002; TOPMed 0.00002.
gnomAD v4.1: 15 of 1,613,948 alleles (0.00093%); highest among the groups gnomAD compares: South Asian, 0.0055%; no homozygotes.

Submission:

Labcorp Genetics (formerly Invitae), Labcorp
Classification: Uncertain significance for Neuroferritinopathy; Hereditary hyperferritinemia with congenital cataracts. Last evaluated: 2025-01-06. Review status: criteria provided, single submitter. Criteria: Invitae Variant Classification Sherloc (09022015). Collection method: clinical testing. Allele origin: germline.
Comment: This sequence change affects codon 125 of the FTL mRNA. It is a 'silent' change, meaning that it does not change the encoded amino acid sequence of the FTL protein. It affects a nucleotide within the consensus splice site. This variant is present in population databases (rs774193242, gnomAD 0.006%). This variant has not been reported in the literature in individuals affected with FTL-related conditions. ClinVar contains an entry for this variant (Variation ID: 2156715). Algorithms developed to predict the effect of sequence changes on RNA splicing suggest that this variant is not likely to affect RNA splicing. In summary, the available evidence is currently insufficient to determine the role of this variant in disease. Therefore, it has been classified as a Variant of Uncertain Significance.